The following is an entry in ClinVar:

ClinVar aggregate classification (germline): Conflicting classifications of pathogenicity. Review status: criteria provided, conflicting classifications (1 of 4 stars). 2 submissions from 2 submitters: Uncertain significance (1); Likely benign (1). Last evaluated 2026-07-01.

gnomAD v4.1: 8 of 1,611,252 alleles (0.0005%); highest among the groups gnomAD compares: East Asian, 0.0089%; no homozygotes.

Submissions (2):

CeGaT Center for Human Genetics Tuebingen
Classification: Uncertain significance. Last evaluated: 2026-07-01. Review status: criteria provided, single submitter. Criteria: CeGaT Center For Human Genetics Tuebingen Variant Classification Criteria Version 2. Collection method: clinical testing. Allele origin: germline. Affected: yes. Observed: 1 variant allele.
Comment: KMT2B: PM2, BP4

Labcorp Genetics (formerly Invitae), Labcorp
Classification: Likely benign. Last evaluated: 2025-10-21. Review status: criteria provided, single submitter. Criteria: Invitae Variant Classification Sherloc (09022015). Collection method: clinical testing. Allele origin: germline.

NM_014727.3(KMT2B):c.2338G>A (p.Val780Met)

Gene: KMT2B (lysine methyltransferase 2B; plus strand). Cytogenetic location: 19q13.12.
Variant type: single nucleotide variant.
Coding change: c.2338G>A on transcript NM_014727.3 (MANE Select); coding-DNA position 2338, G replaced by A.
Protein change: p.Val780Met; replaces valine 780 with methionine.
Molecular consequence: missense variant.
Genome position (GRCh38, 1-based): chr19:35,721,685, G>A. VCF-style: chr19-35721685-G-A. GRCh37 (hg19) VCF-style: chr19-36212587-G-A.
Other names: short protein forms V780M.
Identifiers: ClinVar variation 1902725 (VCV001902725.7), dbSNP rs766067022, ClinGen allele CA9384416.